The following is an entry in ClinVar:

ClinVar aggregate classification (germline): Uncertain significance (1 of 4 stars; one submission).

Allele frequency attached by ClinVar (database versions not stated): gnomAD exomes below 0.00001; gnomAD 0.00001.

Submission:

Labcorp Genetics (formerly Invitae), Labcorp
Classification: Uncertain significance. Last evaluated: 2021-09-10. Review status: criteria provided, single submitter. Criteria: Invitae Variant Classification Sherloc (09022015). Collection method: clinical testing. Allele origin: germline.
Comment: This sequence change replaces aspartic acid with tyrosine at codon 1172 of the TRPM1 protein (p.Asp1172Tyr). The aspartic acid residue is highly conserved and there is a large physicochemical difference between aspartic acid and tyrosine. This variant is not present in population databases (ExAC no frequency). This variant has not been reported in the literature in individuals affected with TRPM1-related conditions. Algorithms developed to predict the effect of missense changes on protein structure and function are either unavailable or do not agree on the potential impact of this missense change (SIFT: "Deleterious"; PolyPhen-2: "Probably Damaging"; Align-GVGD: "Class C0"). Algorithms developed to predict the effect of sequence changes on RNA splicing suggest that this variant may create or strengthen a splice site. In summary, the available evidence is currently insufficient to determine the role of this variant in disease. Therefore, it has been classified as a Variant of Uncertain Significance.

NM_001252024.2(TRPM1):c.3580G>T (p.Asp1194Tyr)

Genes: TRPM1 (transient receptor potential cation channel subfamily M member 1; minus strand), TRPM1-AS1 (TRPM1 antisense RNA 1; plus strand), LOC126862088 (BRD4-independent group 4 enhancer GRCh37_chr15:31318084-31319283; plus strand). Cytogenetic location: 15q13.3.
Variant type: single nucleotide variant.
Coding change: c.3580G>T on transcript NM_001252024.2 (MANE Select); coding-DNA position 3580, G replaced by T.
Protein change: p.Asp1194Tyr; replaces aspartic acid 1194 with tyrosine.
Molecular consequence: missense variant.
Genome position (GRCh38, 1-based): chr15:31,026,188, C>A on the plus strand (G>T on the coding strand, the complement: TRPM1 is on the minus strand). VCF-style: chr15-31026188-C-A. GRCh37 (hg19) VCF-style: chr15-31318391-C-A.
Other names: c.3631G>T, p.Asp1211Tyr (NM_001252020.2); c.3514G>T, p.Asp1172Tyr (NM_002420.6); short protein forms D1172Y, D1194Y, D1211Y.
Identifiers: ClinVar variation 1352246 (VCV001352246.6), dbSNP rs1566996060, ClinGen allele CA391540098.